The following is an entry in ClinVar:

ClinVar aggregate classification (germline): Uncertain significance (1 of 4 stars; one submission).

Submission:

Labcorp Genetics (formerly Invitae), Labcorp
Classification: Uncertain significance. Last evaluated: 2025-04-11. Review status: criteria provided, single submitter. Criteria: Invitae Variant Classification Sherloc (09022015). Collection method: clinical testing. Allele origin: germline.
Comment: This sequence change replaces asparagine, which is neutral and polar, with isoleucine, which is neutral and non-polar, at codon 456 of the PLS3 protein (p.Asn456Ile). This variant is not present in population databases (gnomAD no frequency). This variant has not been reported in the literature in individuals affected with PLS3-related conditions. Invitae Evidence Modeling of protein sequence and biophysical properties (such as structural, functional, and spatial information, amino acid conservation, physicochemical variation, residue mobility, and thermodynamic stability) indicates that this missense variant is not expected to disrupt PLS3 protein function with a negative predictive value of 80%. In summary, the available evidence is currently insufficient to determine the role of this variant in disease. Therefore, it has been classified as a Variant of Uncertain Significance.

NM_005032.7(PLS3):c.1367A>T (p.Asn456Ile)

Gene: PLS3 (plastin 3; plus strand). Cytogenetic location: Xq23.
Variant type: single nucleotide variant.
Coding change: c.1367A>T on transcript NM_005032.7 (MANE Select); coding-DNA position 1367, A replaced by T.
Protein change: p.Asn456Ile; replaces asparagine 456 with isoleucine.
Molecular consequence: missense variant.
Genome position (GRCh38, 1-based): chrX:115,646,176, A>T. VCF-style: chrX-115646176-A-T. GRCh37 (hg19) VCF-style: chrX-114880496-A-T.
Other names: c.1367A>T, p.Asn456Ile (NM_001136025.5, NM_001440791.1, NM_001440792.1); c.1286A>T, p.Asn429Ile (NM_001172335.3); c.1328A>T, p.Asn443Ile (NM_001282337.2); c.1232A>T, p.Asn411Ile (NM_001282338.2); short protein forms N429I, N443I, N456I, N411I.
Identifiers: ClinVar variation 4746385 (VCV004746385.1).